The following is an entry in ClinVar:

ClinVar aggregate classification (germline): Uncertain significance (1 of 4 stars; one submission).

Conditions:
Tuberous sclerosis 1 (TSC1). Identifiers: Orphanet 805, MedGen C1854465, MONDO:0008612, OMIM 191100.

Allele frequency attached by ClinVar (database versions not stated): gnomAD exomes below 0.00001.
gnomAD v4.1: 1 of 1,614,186 alleles (0.000062%); highest among the groups gnomAD compares: African/African-American, 0.0013%; no homozygotes.

Submission:

Labcorp Genetics (formerly Invitae), Labcorp
Classification: Uncertain significance for Tuberous sclerosis 1. Last evaluated: 2022-05-22. Review status: criteria provided, single submitter. Criteria: Invitae Variant Classification Sherloc (09022015). Collection method: clinical testing. Allele origin: germline.
Comment: In summary, the available evidence is currently insufficient to determine the role of this variant in disease. Therefore, it has been classified as a Variant of Uncertain Significance. Algorithms developed to predict the effect of missense changes on protein structure and function (SIFT, PolyPhen-2, Align-GVGD) all suggest that this variant is likely to be tolerated. This variant has not been reported in the literature in individuals affected with TSC1-related conditions. This variant is not present in population databases (gnomAD no frequency). This sequence change replaces valine, which is neutral and non-polar, with leucine, which is neutral and non-polar, at codon 772 of the TSC1 protein (p.Val772Leu).

NM_000368.5(TSC1):c.2314G>T (p.Val772Leu)

Gene: TSC1 (TSC complex subunit 1; minus strand). Cytogenetic location: 9q34.13.
Variant type: single nucleotide variant.
Coding change: c.2314G>T on transcript NM_000368.5 (MANE Select); coding-DNA position 2314, G replaced by T.
Protein change: p.Val772Leu; replaces valine 772 with leucine.
Molecular consequence: missense variant.
Genome position (GRCh38, 1-based): chr9:132,902,682, C>A on the plus strand (G>T on the coding strand, the complement: TSC1 is on the minus strand). VCF-style: chr9-132902682-C-A. GRCh37 (hg19) VCF-style: chr9-135778069-C-A.
Other names: c.2314G>T, p.Val772Leu (NM_001406596.1, NM_001406605.1, NM_001406592.1 and 5 more transcripts); c.2311G>T, p.Val771Leu (NM_001406597.1, NM_001406598.1, NM_001406599.1 and 4 more transcripts); c.2299G>T, p.Val767Leu (NM_001406601.1, NM_001406602.1); c.2296G>T, p.Val766Leu (NM_001406603.1, NM_001406604.1); c.1951G>T, p.Val651Leu (NM_001406615.1, NM_001406616.1, NM_001406617.1 and 5 more transcripts); c.1948G>T, p.Val650Leu (NM_001406620.1, NM_001406621.1, NM_001406622.1 and 2 more transcripts); c.2161G>T, p.Val721Leu (NM_001162427.2, NM_001406610.1); c.2158G>T, p.Val720Leu (NM_001406611.1, NM_001406612.1, NM_001406613.1); and 3 more; short protein forms V455L, V651L, V721L, V767L, V771L, V766L, V772L, V720L.
Identifiers: ClinVar variation 1998060 (VCV001998060.4), dbSNP rs1468880078, ClinGen allele CA375359574.
Genomic context (GRCh38, chr9:132,902,682, plus strand): 5'-GGTTGTAGAATTCCTCTCGGTCATGCTGCAGCTGTCTGATCTGGCTGTGGAGCTTGGTTA[C>A]CATAGTGTCACGCTGCTCCTGGAGCTGATTGTATCTAGCTTGTTCTTTCTGCAGACTAAC-3'
Protein context (NP_000359.1, residues 762-782): NQLQEQRDTM[Val772Leu]TKLHSQIRQL